The following is an entry in ClinVar:

ClinVar aggregate classification (germline): Conflicting classifications of pathogenicity. Review status: criteria provided, conflicting classifications (1 of 4 stars). 2 submissions from 2 submitters: Uncertain significance (1); Likely benign (1). Last evaluated 2025-10-23.

Conditions:
Hereditary cancer-predisposing syndrome. Also called: Tumor predisposition; Hereditary Cancer Syndrome; Neoplastic Syndromes, Hereditary; Hereditary neoplastic syndrome. Identifiers: Orphanet 140162, MedGen C0027672, MeSH D009386, MONDO:0015356.
Gorlin syndrome. Also called: Basal cell nevus syndrome; Nevoid Basal Cell Carcinoma Syndrome. Identifiers: Orphanet 377, MedGen C0004779, MONDO:0007187.

Allele frequency attached by ClinVar (database versions not stated): gnomAD exomes below 0.00001 and 0.00001; TOPMed below 0.00001.
gnomAD v4.1: 22 of 1,613,776 alleles (0.0014%); highest among the groups gnomAD compares: Admixed American, 0.0017%; no homozygotes.

Submissions (2):

Labcorp Genetics (formerly Invitae), Labcorp
Classification: Likely benign for Gorlin syndrome. Last evaluated: 2025-10-23. Review status: criteria provided, single submitter. Criteria: Invitae Variant Classification Sherloc (09022015). Collection method: clinical testing. Allele origin: germline.

Ambry Genetics
Classification: Uncertain significance for Hereditary cancer-predisposing syndrome. Last evaluated: 2024-08-17. Review status: criteria provided, single submitter. Criteria: Ambry Variant Classification Scheme 2023. Collection method: clinical testing. Allele origin: germline.
Comment: The p.Y676C variant (also known as c.2027A>G), located in coding exon 14 of the PTCH1 gene, results from an A to G substitution at nucleotide position 2027. The tyrosine at codon 676 is replaced by cysteine, an amino acid with highly dissimilar properties. This amino acid position is highly conserved in available vertebrate species. In addition, this alteration is predicted to be deleterious by in silico analysis. Since supporting evidence is limited at this time, the clinical significance of this alteration remains unclear.

NM_000264.5(PTCH1):c.2027A>G (p.Tyr676Cys)

Genes: PTCH1 (patched 1; minus strand), LOC100507346 (uncharacterized LOC100507346; plus strand). Cytogenetic location: 9q22.32.
Variant type: single nucleotide variant.
Coding change: c.2027A>G on transcript NM_000264.5 (MANE Select); coding-DNA position 2027, A replaced by G.
Protein change: p.Tyr676Cys; replaces tyrosine 676 with cysteine.
Molecular consequence: missense variant. On other transcripts: non-coding transcript variant (2).
Genome position (GRCh38, 1-based): chr9:95,468,974, T>C on the plus strand (A>G on the coding strand, the complement: PTCH1 is on the minus strand). VCF-style: chr9-95468974-T-C. GRCh37 (hg19) VCF-style: chr9-98231256-T-C.
Other names: c.1829A>G, p.Tyr610Cys (NM_001083602.3); c.2024A>G, p.Tyr675Cys (NM_001083603.3); c.1574A>G, p.Tyr525Cys (NM_001083604.3, NM_001083605.3, NM_001083606.3 and 1 more transcripts); c.1871A>G, p.Tyr624Cys (NM_001354918.2); short protein forms Y610C, Y676C, Y624C, Y675C, Y525C.
Identifiers: ClinVar variation 453808 (VCV000453808.13), dbSNP rs1274998781, ClinGen allele CA374115809.
Genomic context (GRCh38, chr9:95,468,974, plus strand): 5'-GTGTCCTGTGTCACGGTGACGGGCTGCACAGAGATCTCGGAGCGCGGCTCAGCGGTGGTG[T>C]AGTACACGTGCGTGTGGGGGTCGTACTCCGTGCGGAGCTGGACAGTGGACTGCATGGTAA-3'
Protein context (NP_000255.2, residues 666-686): TEYDPHTHVY[Tyr676Cys]TTAEPRSEIS